The following is an entry in ClinVar:

ClinVar aggregate classification (germline): Likely benign. Review status: criteria provided, multiple submitters, no conflicts (2 of 4 stars). 3 submissions from 3 submitters: Likely benign (3). Last evaluated 2025-12-07.

Conditions:
Catecholaminergic polymorphic ventricular tachycardia (CVPT). Also called: Catecholamine-induced polymorphic ventricular tachycardia. Identifiers: Orphanet 3286, MedGen C5574922, MONDO:0017990.
Catecholaminergic polymorphic ventricular tachycardia 1. Also called: VENTRICULAR TACHYCARDIA, CATECHOLAMINERGIC POLYMORPHIC, 1, WITH OR WITHOUT ATRIAL DYSFUNCTION AND/OR DILATED CARDIOMYOPATHY; VENTRICULAR TACHYCARDIA, STRESS-INDUCED POLYMORPHIC 1; RYR2-Related Catecholaminergic Polymorphic Ventricular Tachycardia. Identifiers: Orphanet 3286, MedGen C1631597, MONDO:0011484, OMIM 604772.
Cardiomyopathy (CMYO). Also called: Cardiomyopathies. Identifiers: Orphanet 167848, MedGen C0878544, MONDO:0004994, HP:0001638. Inheritance: Various modes of inheritance.

Submissions (3):

Labcorp Genetics (formerly Invitae), Labcorp
Classification: Likely benign for Catecholaminergic polymorphic ventricular tachycardia 1. Last evaluated: 2025-12-07. Review status: criteria provided, single submitter. Criteria: Invitae Variant Classification Sherloc (09022015). Collection method: clinical testing. Allele origin: germline.

All of Us Research Program, National Institutes of Health
Classification: Likely benign for Catecholaminergic polymorphic ventricular tachycardia. Last evaluated: 2024-05-14. Review status: criteria provided, single submitter. Criteria: ACMG Guidelines, 2015. Collection method: clinical testing. Allele origin: germline. Inheritance: Autosomal dominant inheritance. Observed: 1 variant allele, 1 heterozygote.
Comment: This study involves interpretation of variants in research participants for the purpose of population health screening. Participant phenotype was not available at the time of variant classification. Additional details can be found in publication PMID: 35346344, PMCID: PMC8962531

Color Diagnostics, LLC DBA Color Health
Classification: Likely benign for Cardiomyopathy. Last evaluated: 2024-04-24. Review status: criteria provided, single submitter. Criteria: ACMG Guidelines, 2015. Collection method: clinical testing. Allele origin: germline.

NM_001035.3(RYR2):c.5727G>T (p.Leu1909=)

Gene: RYR2 (ryanodine receptor 2; plus strand). Cytogenetic location: 1q43.
Variant type: single nucleotide variant.
Coding change: c.5727G>T on transcript NM_001035.3 (MANE Select); coding-DNA position 5727, G replaced by T.
Protein change: p.Leu1909=; no amino-acid change (leucine 1909 retained).
Molecular consequence: synonymous variant.
Genome position (GRCh38, 1-based): chr1:237,617,297, G>T. VCF-style: chr1-237617297-G-T. GRCh37 (hg19) VCF-style: chr1-237780597-G-T.
Identifiers: ClinVar variation 3385743 (VCV003385743.2).